The following is an entry in ClinVar:

ClinVar aggregate classification (germline): Conflicting classifications of pathogenicity. Review status: criteria provided, conflicting classifications (1 of 4 stars). 13 submissions from 13 submitters: Uncertain significance (6); Benign (1); Likely benign (4). 2 of the submissions do not count toward it. Last evaluated 2026-05-11.

Conditions:
ATP8B1-related disorder. Also called: ATP8B1-related condition; ATP8B1-related disorders.
Familial intrahepatic cholestasis. Identifiers: Orphanet 284385, MedGen CN296401, MONDO:0017290.
Progressive familial intrahepatic cholestasis type 1. Also called: BYLER DISEASE; Severe ATP8B1 Deficiency (Progressive Familial Intrahepatic Cholestasis Type 1 [PFIC1]); Byler's disease. Identifiers: Orphanet 79306, MedGen C4551898, MONDO:0008892, OMIM 211600.

Allele frequency attached by ClinVar (database versions not stated): 1000 Genomes Project 0.00100; ExAC 0.00101; 1000 Genomes Project 30x 0.00109; gnomAD exomes 0.00118 and 0.00182; gnomAD 0.00119 and 0.00120; TOPMed 0.00147; ESP Exome Variant Server 0.00169.
gnomAD v4.1: 2,871 of 1,614,202 alleles (0.18%); highest among the groups gnomAD compares: Non-Finnish European, 0.21%; 8 homozygotes.

Submissions (13):

PreventionGenetics, part of Exact Sciences
Classification: Uncertain significance for ATP8B1-related condition. Last evaluated: 2026-05-11. Review status: criteria provided, single submitter. Criteria: ACMG Guidelines, 2015. Collection method: clinical testing. Allele origin: germline.
Comment: The ATP8B1 c.913T>A variant is predicted to result in the amino acid substitution p.Phe305Ile. This variant has been reported in patients with ATP8B1-related disease, including progressive familial intrahepatic cholestasis, cryptogenic cholestasis, intrahepatic cholestasis of pregnancy, and chronic pancreatitis (Müllenbach et al. 2005. PubMed ID: 15888793; van der Woerd et al. 2013. PubMed ID: 24260417; Dröge et al. 2017. PubMed ID: 28733223; Vitale et al. 2018. PubMed ID: 29238877, Provenzano et al. 2021. PubMed ID: 34679599). However, this variant has also been documented in healthy controls (Müllenbach et al. 2005. PubMed ID: 15888793; Woerd et al. 2013. PubMed ID: 24260417). This variant is found at an allele frequency of up to 0.42% in individuals of Ashkenazi Jewish descent in gnomAD, and in gnomAD v4 (available only on GRCh38), this variant is reported in 0.36% of individuals of Ashkenazi Jewish descent, including 8 homozygotes that were identified mostly in individuals of European descent. This allele frequency is likely too common for a highly penetrant pathogenic variant, however variable expressivity, incomplete penetrance, and/or other genetic modifiers could be playing a role in this variant's contribution to disease risk. At this time, the clinical significance of this variant is uncertain due to the absence of conclusive functional and genetic evidence.

CeGaT Center for Human Genetics Tuebingen
Classification: Likely benign. Last evaluated: 2026-05-01. Review status: criteria provided, single submitter. Criteria: CeGaT Center For Human Genetics Tuebingen Variant Classification Criteria Version 2. Collection method: clinical testing. Allele origin: germline. Affected: yes. Observed: 3 variant alleles.
Comment: ATP8B1: BS2

Genomenon, Inc
Classification: Likely benign for Familial intrahepatic cholestasis. Last evaluated: 2026-04-14. Review status: criteria provided, single submitter. Criteria: Genomenon Sequence Variant Interpretation Standards - Updated. Collection method: curation. Allele origin: germline. Affected: no.
Comment: ATP8B1 p.Phe305Ile (c.913T>A) is a missense variant that changes the amino acid at residue 305 from Phenylalanine to Isoleucine. This variant has been reported in the published literature (PMID:40869443;34679599;15888793;24260417). In silico models predict that this variant is not damaging. This variant’s allele frequency in gnomAD is greater than expected for this disorder. In conclusion, we classify ATP8B1 p.Phe305Ile (c.913T>A) as a likely benign variant.

Labcorp Genetics (formerly Invitae), Labcorp
Classification: Benign. Last evaluated: 2026-01-28. Review status: criteria provided, single submitter. Criteria: Invitae Variant Classification Sherloc (09022015). Collection method: clinical testing. Allele origin: germline.

GeneDx
Classification: Uncertain significance. Last evaluated: 2025-11-05. Review status: criteria provided, single submitter. Criteria: GeneDx Variant Classification Process June 2021. Collection method: clinical testing. Allele origin: germline. Affected: yes.
Comment: Identified in the heterozygous state in individuals with intrahepatic cholestasis of pregnancy, chronic pancreatitis, or cryptogenic cholestasis in whom a second variant in ATP8B1 was not identified. This variant was also identified in multiple healthy control individuals (PMID: 15888793, 24260417, 29238877, 28733223); Observed with additional variants in ATP8B1 in a patient with cholestasis; detailed clinical information and the phase of these variants was not reported (PMID: 33666275); In silico analysis supports that this missense variant has a deleterious effect on protein structure/function; This variant is associated with the following publications: (PMID: Barkaoui[Article]2018, 24260417, 29238877, 34679599, 15888793, 28733223, 33666275)

Mayo Clinic Laboratories, Mayo Clinic
Classification: Likely benign. Last evaluated: 2025-06-09. Review status: criteria provided, single submitter. Criteria: ACMG Guidelines, 2015. Collection method: clinical testing. Allele origin: germline. Observed: 2 variant alleles.
Comment: BS1, BS2, BP4

Blueprint Genetics
Classification: Uncertain significance. Last evaluated: 2024-11-20. Review status: criteria provided, single submitter. Criteria: ACMG Guidelines, 2015. Collection method: clinical testing. Allele origin: germline.

Women's Health and Genetics/Laboratory Corporation of America, LabCorp
Classification: Uncertain significance. Last evaluated: 2022-02-18. Review status: criteria provided, single submitter. Criteria: LabCorp Variant Classification Summary - May 2015. Collection method: clinical testing. Allele origin: germline.
Comment: Variant summary: ATP8B1 c.913T>A (p.Phe305Ile) results in a non-conservative amino acid change in the encoded protein sequence. Four of five in-silico tools predict a benign effect of the variant on protein function. The variant allele was found at a frequency of 0.0012 in 251422 control chromosomes. This frequency is not significantly higher than expected for a pathogenic variant in ATP8B1 causing Familial Intrahepatic Cholestasis (0.0012 vs 0.0022), allowing no conclusion about variant significance. c.913T>A has been reported in the literature in individuals affected with intrahepatic cholestasis of pregnancy (Mullenbach_2005) or FIC1 deficiency (van Wessel_2021). These reports do not provide unequivocal conclusions about association of the variant with Familial Intrahepatic Cholestasis. Four clinical diagnostic laboratories have submitted clinical-significance assessments for this variant to ClinVar after 2014 without evidence for independent evaluation (likely benign n=1, VUS n=3). Based on the evidence outlined above, the variant was classified as uncertain significance.

Department of Pathology and Laboratory Medicine, Sinai Health System
Classification: Uncertain significance for progressive familial intrahepatic cholestasis type 1. Last evaluated: 2022-02-16. Review status: criteria provided, single submitter. Criteria: ACMG Guidelines, 2015. Collection method: research. Allele origin: germline.

Illumina Laboratory Services, Illumina
Classification: Uncertain significance for Progressive familial intrahepatic cholestasis type 1. Last evaluated: 2017-04-27. Review status: criteria provided, single submitter. Criteria: ICSL Variant Classification Criteria 13 December 2019. Collection method: clinical testing. Allele origin: germline.
Comment: This variant was observed as part of a predisposition screen in an ostensibly healthy population. A literature search was performed for the gene, cDNA change, and amino acid change (where applicable). Publications were found based on this search. However, the evidence from the literature, in combination with allele frequency data from public databases where available, was not sufficient to rule this variant in or out of causing disease. Therefore, this variant is classified as a variant of unknown significance.

Eurofins Ntd Llc (ga)
Classification: Likely benign. Last evaluated: 2016-07-15. Review status: criteria provided, single submitter. Criteria: EGL Classification Definitions 2015. Collection method: clinical testing. Allele origin: germline. Observed: 1 variant allele, 1 heterozygote.

Diagnostic Laboratory, Department of Genetics, University Medical Center Groningen
Classification: Likely benign. Review status: no assertion criteria provided. Collection method: clinical testing. Allele origin: germline. Affected: yes. Study: VKGL Data-share Consensus. Not counted in ClinVar's aggregate classification.

Genome Diagnostics Laboratory, University Medical Center Utrecht
Classification: Likely benign. Review status: no assertion criteria provided. Collection method: clinical testing. Allele origin: germline. Affected: yes. Study: VKGL Data-share Consensus. Not counted in ClinVar's aggregate classification.

Literature cited by the submitters: PubMed 40869443 (cited by Genomenon, Inc); PubMed 34679599 (cited by Genomenon, Inc and Mayo Clinic Laboratories, Mayo Clinic); PubMed 15888793 (cited by 4 submitters); PubMed 24260417 (cited by 4 submitters); PubMed 26823041 (cited by Mayo Clinic Laboratories, Mayo Clinic); PubMed 28733223 (cited by Mayo Clinic Laboratories, Mayo Clinic); PubMed 29238877 (cited by Mayo Clinic Laboratories, Mayo Clinic); PubMed 33666275 (cited by Mayo Clinic Laboratories, Mayo Clinic and Women's Health and Genetics/Laboratory Corporation of America, LabCorp); PubMed 1774530 (cited by Illumina Laboratory Services, Illumina).

NM_001374385.1(ATP8B1):c.913T>A (p.Phe305Ile)

Gene: ATP8B1 (ATPase phospholipid transporting 8B1; minus strand). Cytogenetic location: 18q21.31.
Variant type: single nucleotide variant.
Coding change: c.913T>A on transcript NM_001374385.1 (MANE Select); coding-DNA position 913, T replaced by A.
Protein change: p.Phe305Ile; replaces phenylalanine 305 with isoleucine.
Molecular consequence: missense variant.
Genome position (GRCh38, 1-based): chr18:57,695,198, A>T on the plus strand (T>A on the coding strand, the complement: ATP8B1 is on the minus strand). VCF-style: chr18-57695198-A-T. GRCh37 (hg19) VCF-style: chr18-55362430-A-T.
Other names: c.763T>A, p.Phe255Ile (NM_001374386.1); c.913T>A, p.Phe305Ile (NM_005603.6); short protein forms F305I, F255I.
Identifiers: ClinVar variation 289557 (VCV000289557.73), dbSNP rs150860808, ClinGen allele CA8974703.
Genomic context (GRCh38, chr18:57,695,198, plus strand): 5'-GCTGATTAATTTCCCAAGAAACTCTGAACGTACCTGCAAAAATGACTAAGCCGTGGCAGA[A>T]ATCGGTGTTCCTAATTACACAGCCACGTAACAAAATTTTATCAGCATCCAAAGGAAAACT-3'
Protein context (NP_001361314.1, residues 295-315): LRGCVIRNTD[Phe305Ile]CHGLVIFAGA